The following is an entry in ClinVar:

NM_003070.5(SMARCA2):c.919G>A (p.Val307Met)

Gene: SMARCA2 (SWI/SNF related BAF chromatin remodeling complex subunit ATPase 2; plus strand). Cytogenetic location: 9p24.3.
Variant type: single nucleotide variant.
Coding change: c.919G>A on transcript NM_003070.5 (MANE Select); coding-DNA position 919, G replaced by A.
Protein change: p.Val307Met; replaces valine 307 with methionine.
Molecular consequence: missense variant.
Genome position (GRCh38, 1-based): chr9:2,047,357, G>A. VCF-style: chr9-2047357-G-A. GRCh37 (hg19) VCF-style: chr9-2047357-G-A.
Other names: c.919G>A, p.Val307Met (NM_001289396.2, NM_001289397.2, NM_139045.4); short protein forms V307M.
Identifiers: ClinVar variation 931617 (VCV000931617.3), dbSNP rs1819907795, ClinGen allele CA372780948.

ClinVar aggregate classification (germline): Uncertain significance (1 of 4 stars; one submission).

Conditions:
Nicolaides-Baraitser syndrome (NCBRS). Also called: SMARCA2-Related Nicolaides-Baraitser Syndrome; Intellectual disability-sparse hair-brachydactyly syndrome. Identifiers: Orphanet 3051, MedGen C1303073, MONDO:0011053, OMIM 601358.

Submission:

Centre for Mendelian Genomics, University Medical Centre Ljubljana
Classification: Uncertain significance for Nicolaides-Baraitser syndrome. Last evaluated: 2019-12-11. Review status: criteria provided, single submitter. Criteria: ACMG Guidelines, 2015. Collection method: clinical testing. Allele origin: unknown. Affected: yes.
Comment: This variant was classified as: Uncertain significance. The available evidence on this variant's pathogenicity is insufficient or conflicting. The following ACMG criteria were applied in classifying this variant: PM2,BP4.